The following is an entry in ClinVar:

NM_014284.3(NCDN):c.1840G>A (p.Gly614Ser)

Gene: NCDN (neurochondrin; plus strand). Cytogenetic location: 1p34.3.
Variant type: single nucleotide variant.
Coding change: c.1840G>A on transcript NM_014284.3 (MANE Select); coding-DNA position 1840, G replaced by A.
Protein change: p.Gly614Ser; replaces glycine 614 with serine.
Molecular consequence: missense variant.
Genome position (GRCh38, 1-based): chr1:35,565,313, G>A. VCF-style: chr1-35565313-G-A. GRCh37 (hg19) VCF-style: chr1-36030914-G-A.
Other names: c.1840G>A, p.Gly614Ser (NM_001014839.2); c.1789G>A, p.Gly597Ser (NM_001014841.2); short protein forms G597S, G614S.
Identifiers: ClinVar variation 2638652 (VCV002638652.24), dbSNP rs1321361648, ClinGen allele CA339348435.

ClinVar aggregate classification (germline): Uncertain significance (1 of 4 stars; one submission).

Allele frequency attached by ClinVar (database versions not stated): gnomAD exomes below 0.00001; TOPMed below 0.00001; gnomAD 0.00001.

Submission:

CeGaT Center for Human Genetics Tuebingen
Classification: Uncertain significance. Last evaluated: 2023-10-01. Review status: criteria provided, single submitter. Criteria: CeGaT Center For Human Genetics Tuebingen Variant Classification Criteria Version 2. Collection method: clinical testing. Allele origin: germline. Affected: yes. Observed: 1 variant allele.
Comment: NCDN: PM2, BP4